The following is an entry in ClinVar:

NM_000340.2(SLC2A2):c.1471T>A (p.Ser491Thr)

Gene: SLC2A2 (solute carrier family 2 member 2; minus strand). Cytogenetic location: 3q26.2.
Variant type: single nucleotide variant.
Coding change: c.1471T>A on transcript NM_000340.2 (MANE Select); coding-DNA position 1471, T replaced by A.
Protein change: p.Ser491Thr; replaces serine 491 with threonine.
Molecular consequence: missense variant.
Genome position (GRCh38, 1-based): chr3:170,998,007, A>T on the plus strand (T>A on the coding strand, the complement: SLC2A2 is on the minus strand). VCF-style: chr3-170998007-A-T. GRCh37 (hg19) VCF-style: chr3-170715796-A-T.
Other names: c.1114T>A, p.Ser372Thr (NM_001278658.2); c.952T>A, p.Ser318Thr (NM_001278659.2); short protein forms S318T, S491T, S372T.
Identifiers: ClinVar variation 2919488 (VCV002919488.3), dbSNP rs766600474, ClinGen allele CA2702392.
Genomic context (GRCh38, chr3:170,998,007, plus strand): 5'-CTTTTGGCCTGTGGGCTGAGCCACTCTTCTTTTGGAATTCTGCAGCAATTTCCTCAAAAG[A>T]CTTTCCTTTGGTTTCTGGAACTTTAAAAAATGTGAACAGGGTAAAGGCCAGGAGCACTCC-3'
Protein context (NP_000331.1, residues 481-501): FFKVPETKGK[Ser491Thr]FEEIAAEFQK

ClinVar aggregate classification (germline): Uncertain significance (1 of 4 stars; one submission).

Conditions:
Fanconi-Bickel syndrome (FBS). Also called: FANCONI SYNDROME WITH INTESTINAL MALABSORPTION AND GALACTOSE INTOLERANCE; HEPATIC GLYCOGENOSIS WITH AMINO ACIDURIA AND GLUCOSURIA; HEPATIC GLYCOGENOSIS WITH FANCONI NEPHROPATHY; HEPATORENAL GLYCOGENOSIS WITH RENAL FANCONI SYNDROME; Glycogen storage disease due to GLUT2 deficiency; PSEUDO-PHLORIZIN DIABETES. Identifiers: Orphanet 2088, MedGen C3495427, MONDO:0009216, OMIM 227810.

Allele frequency attached by ClinVar (database versions not stated): TOPMed below 0.00001; gnomAD 0.00001.
gnomAD v4.1: 7 of 1,613,612 alleles (0.00043%); highest among the groups gnomAD compares: South Asian, 0.0044%; no homozygotes.

Submission:

Labcorp Genetics (formerly Invitae), Labcorp
Classification: Uncertain significance for Fanconi-Bickel syndrome. Last evaluated: 2024-06-24. Review status: criteria provided, single submitter. Criteria: Invitae Variant Classification Sherloc (09022015). Collection method: clinical testing. Allele origin: germline.
Comment: This sequence change replaces serine, which is neutral and polar, with threonine, which is neutral and polar, at codon 491 of the SLC2A2 protein (p.Ser491Thr). This variant is present in population databases (rs766600474, gnomAD 0.01%). This variant has not been reported in the literature in individuals affected with SLC2A2-related conditions. Advanced modeling of protein sequence and biophysical properties (such as structural, functional, and spatial information, amino acid conservation, physicochemical variation, residue mobility, and thermodynamic stability) performed at Invitae indicates that this missense variant is not expected to disrupt SLC2A2 protein function with a negative predictive value of 80%. In summary, the available evidence is currently insufficient to determine the role of this variant in disease. Therefore, it has been classified as a Variant of Uncertain Significance.